The following is an entry in ClinVar:

NM_007294.4(BRCA1):c.3498del (p.Glu1167fs)

Genes: BRCA1 (BRCA1 DNA repair associated; minus strand), LOC126862571 (BRD4-independent group 4 enhancer GRCh37_chr17:41243136-41244335; plus strand). Cytogenetic location: 17q21.31.
Variant type: Deletion.
Coding change: c.3498del on transcript NM_007294.4 (MANE Select); coding-DNA position 3498, one base deleted (T; older notation c.3498delT).
Protein change: p.Glu1167fs; shifts the reading frame from glutamic acid 1167.
Molecular consequence: frameshift variant. On other transcripts: intron variant (135).
Genome position (GRCh38, 1-based): chr17:43,092,033, A deleted on the plus strand (T on the coding strand, the reverse complement: BRCA1 is on the minus strand). VCF-style (leftmost placement, unchanged base first): chr17-43092032-CA-C. GRCh37 (hg19) VCF-style: chr17-41244049-CA-C.
Other names: 3617delT; c.3357del, p.Glu1120fs (NM_001407752.1, NM_001407850.1, NM_001407851.1 and 29 more transcripts); c.3354del, p.Glu1119fs (NM_001407838.1, NM_001407839.1, NM_001407841.1 and 20 more transcripts); c.3285del, p.Glu1096fs (NM_001407853.1, NM_001407894.1, NM_001407895.1 and 9 more transcripts); c.3498del, p.Glu1167fs (NM_001407854.1, NM_001407858.1, NM_001407859.1 and 30 more transcripts); c.3495del, p.Glu1166fs (NM_001407860.1, NM_001407861.1, NM_001407587.1 and 22 more transcripts); c.3297del, p.Glu1100fs (NM_001407862.1); c.3375del, p.Glu1126fs (NM_001407863.1, NM_001407919.1, NM_001407937.1 and 19 more transcripts); and 43 more; short protein forms E1120fs, E1167fs, E1126fs, E1140fs, E1141fs, E1164fs, E1040fs, E1119fs.
Identifiers: ClinVar variation 266378 (VCV000266378.6), dbSNP rs886040137, ClinGen allele CA10589746.

ClinVar aggregate classification (germline): Pathogenic. Review status: reviewed by expert panel (3 of 4 stars). 2 submissions from 2 submitters: Pathogenic (1). 1 of the submissions does not count toward it. Last evaluated 2016-10-18.

Conditions:
Breast-ovarian cancer, familial, susceptibility to, 1 (BROVCA1). Also called: BRCA1 Hereditary Breast and Ovarian Cancer; OVARIAN CANCER, SUSCEPTIBILITY TO. Identifiers: Orphanet 145, MedGen C2676676, MONDO:0011450, OMIM 604370. Disease mechanism: loss of function.

Submissions (2):

Evidence-based Network for the Interpretation of Germline Mutant Alleles (ENIGMA)
Classification: Pathogenic for Breast-ovarian cancer, familial, susceptibility to, 1. Last evaluated: 2016-10-18. Review status: reviewed by expert panel. Criteria: ENIGMA BRCA1/2 Classification Criteria (2015). Collection method: curation. Allele origin: germline.
Comment: Variant allele predicted to encode a truncated non-functional protein.

Consortium of Investigators of Modifiers of BRCA1/2 (CIMBA), c/o University of Cambridge
Classification: Pathogenic for Breast-ovarian cancer, familial, susceptibility to, 1. Last evaluated: 2015-10-02. Review status: criteria provided, single submitter. Criteria: CIMBA Mutation Classification guidelines May 2016. Collection method: clinical testing. Allele origin: germline. Not counted in ClinVar's aggregate classification.